The following is an entry in ClinVar:

NM_024675.4(PALB2):c.2755G>C (p.Val919Leu)

Gene: PALB2 (partner and localizer of BRCA2; minus strand). Cytogenetic location: 16p12.2.
Variant type: single nucleotide variant.
Coding change: c.2755G>C on transcript NM_024675.4 (MANE Select); coding-DNA position 2755, G replaced by C.
Protein change: p.Val919Leu; replaces valine 919 with leucine.
Molecular consequence: missense variant.
Genome position (GRCh38, 1-based): chr16:23,624,088, C>G on the plus strand (G>C on the coding strand, the complement: PALB2 is on the minus strand). VCF-style: chr16-23624088-C-G. GRCh37 (hg19) VCF-style: chr16-23635409-C-G.
Other names: short protein forms V919L.
Identifiers: ClinVar variation 857464 (VCV000857464.10), dbSNP rs775193384, ClinGen allele CA395145250.

ClinVar aggregate classification (germline): Uncertain significance (1 of 4 stars; one submission).

Conditions:
Familial cancer of breast. Also called: hereditary breast carcinoma; BREAST CANCER, FAMILIAL; Hereditary breast cancer. Identifiers: Orphanet 227535, MedGen C0346153, MONDO:0016419, OMIM 114480. Disease mechanism: loss of function.

Submission:

Labcorp Genetics (formerly Invitae), Labcorp
Classification: Uncertain significance for Familial cancer of breast. Last evaluated: 2023-02-08. Review status: criteria provided, single submitter. Criteria: Invitae Variant Classification Sherloc (09022015). Collection method: clinical testing. Allele origin: germline.
Comment: In summary, the available evidence is currently insufficient to determine the role of this variant in disease. Therefore, it has been classified as a Variant of Uncertain Significance. Advanced modeling of protein sequence and biophysical properties (such as structural, functional, and spatial information, amino acid conservation, physicochemical variation, residue mobility, and thermodynamic stability) performed at Invitae indicates that this missense variant is expected to disrupt PALB2 protein function. ClinVar contains an entry for this variant (Variation ID: 857464). This variant has not been reported in the literature in individuals affected with PALB2-related conditions. This variant is not present in population databases (gnomAD no frequency). This sequence change replaces valine, which is neutral and non-polar, with leucine, which is neutral and non-polar, at codon 919 of the PALB2 protein (p.Val919Leu).